The following is an entry in ClinVar:

ClinVar aggregate classification (germline): Uncertain significance (1 of 4 stars; one submission).

Submissions (2):

Labcorp Genetics (formerly Invitae), Labcorp
Classification: Uncertain significance. Last evaluated: 2025-07-25. Review status: criteria provided, single submitter. Criteria: Invitae Variant Classification Sherloc (09022015). Collection method: clinical testing. Allele origin: germline.
Comment: This sequence change replaces serine, which is neutral and polar, with cysteine, which is neutral and slightly polar, at codon 445 of the RFWD3 protein (p.Ser445Cys). This variant is not present in population databases (gnomAD no frequency). This variant has not been reported in the literature in individuals affected with RFWD3-related conditions. An algorithm developed to predict the effect of missense changes on protein structure and function (PolyPhen-2) suggests that this variant is likely to be disruptive. In summary, the available evidence is currently insufficient to determine the role of this variant in disease. Therefore, it has been classified as a Variant of Uncertain Significance.

Dr. Peter K. Rogan Lab, Western University
No classification provided (evidence only). Condition: Familial cancer of breast. Review status: no classification provided. Collection method: in vitro. Allele origin: not applicable. Functional consequence: retained intron. Not counted in ClinVar's aggregate classification.

NM_018124.4(RFWD3):c.1334C>G (p.Ser445Cys)

Gene: RFWD3 (ring finger and WD repeat domain 3; minus strand). Cytogenetic location: 16q23.1.
Variant type: single nucleotide variant.
Coding change: c.1334C>G on transcript NM_018124.4 (MANE Select); coding-DNA position 1334, C replaced by G.
Protein change: p.Ser445Cys; replaces serine 445 with cysteine.
Molecular consequence: missense variant.
Genome position (GRCh38, 1-based): chr16:74,636,438, G>C on the plus strand (C>G on the coding strand, the complement: RFWD3 is on the minus strand). VCF-style: chr16-74636438-G-C. GRCh37 (hg19) VCF-style: chr16-74670336-G-C.
Other names: NC_000016.9:g.74670336G>C; c.1334C>G, p.Ser445Cys (NM_001370534.1, NM_001370535.1, NM_001370536.1); c.500C>G, p.Ser167Cys (NM_001370537.1, NM_001370539.1, NM_001370540.1 and 2 more transcripts); short protein forms S167C, S445C.
Identifiers: ClinVar variation 4415459 (VCV004415459.2).
Genomic context (GRCh38, chr16:74,636,438, plus strand): 5'-GATATCACCAGGCAGCTCAGAGCATCACAGTATGCCATGATCCGGCAGTTTCCTGCCTGA[G>C]ATACTGTGAAGGTCTTTTGGAAGTGGTACTTGTGCTTGTGCTGGCCCTGGCTGGAGGGTG-3'
Protein context (NP_060594.3, residues 435-455): KYHFQKTFTV[Ser445Cys]QAGNCRIMAY